The following is an entry in ClinVar:

ClinVar aggregate classification (germline): Benign/Likely benign. Review status: criteria provided, multiple submitters, no conflicts (2 of 4 stars). 2 submissions from 2 submitters: Benign (1); Likely benign (1). Last evaluated 2024-07-19.

Submissions (2):

Labcorp Genetics (formerly Invitae), Labcorp
Classification: Benign. Last evaluated: 2024-07-19. Review status: criteria provided, single submitter. Criteria: Invitae Variant Classification Sherloc (09022015). Collection method: clinical testing. Allele origin: germline.

GeneDx
Classification: Likely benign. Last evaluated: 2024-01-22. Review status: criteria provided, single submitter. Criteria: GeneDx Variant Classification Process June 2021. Collection method: clinical testing. Allele origin: germline. Affected: yes.
Comment: See Variant Classification Assertion Criteria.

NM_001145809.2(MYH14):c.5257-6_5257-4del

Gene: MYH14 (myosin heavy chain 14; plus strand). Cytogenetic location: 19q13.33.
Variant type: Microsatellite.
Coding change: c.5257-6_5257-4del on transcript NM_001145809.2 (MANE Select); 6 bases into the intron before coding-DNA position 5257 through 4 bases into the intron before coding-DNA position 5257, 3 bases deleted (TCA; older notation c.5257-6_5257-4delTCA).
Molecular consequence: intron variant.
Genome position (GRCh38, 1-based): chr19:50,293,227-50,293,229, TCA deleted; deleting any 3 consecutive bases within chr19:50,293,222-50,293,229 gives the same sequence; the c. name uses the placement nearest the transcript's 3' end. VCF-style (leftmost placement, unchanged base first): chr19-50293221-CCAT-C. GRCh37 (hg19) VCF-style: chr19-50796478-CCAT-C.
Other names: c.5158-6_5158-4del (NM_001077186.2); c.5134-6_5134-4del (NM_024729.4).
Identifiers: ClinVar variation 1675261 (VCV001675261.5), dbSNP rs577347072, ClinGen allele CA9593738.
Genomic context (GRCh38, chr19:50,293,221, plus strand): 5'-CAGAGAAAGGGGTGAGACCCGTGCCCAGATTGCTTCTCCTCACACCCACCGGCCACCCCT[CCAT>C]CATCACAGGAACTGGCCGCCTCGGACCGTGCTCGGCGGCAGGCCCAGCAGGACCGGGATG-3'